The following is an entry in ClinVar:

ClinVar aggregate classification (germline): Uncertain significance (1 of 4 stars; one submission).

Conditions:
Werner syndrome (WRN). Identifiers: Orphanet 902, MedGen C0043119, MONDO:0010196, OMIM 277700.

Allele frequency attached by ClinVar (database versions not stated): gnomAD 0.00001; TOPMed 0.00004.
gnomAD v4.1: 1 of 1,612,830 alleles (0.000062%); highest among the groups gnomAD compares: African/African-American, 0.0013%; no homozygotes.

Submission:

Labcorp Genetics (formerly Invitae), Labcorp
Classification: Uncertain significance for Werner syndrome. Last evaluated: 2018-03-19. Review status: criteria provided, single submitter. Criteria: Invitae Variant Classification Sherloc (09022015). Collection method: clinical testing. Allele origin: germline.
Comment: In summary, the available evidence is currently insufficient to determine the role of this variant in disease. Therefore, it has been classified as a Variant of Uncertain Significance. Algorithms developed to predict the effect of missense changes on protein structure and function do not agree on the potential impact of this missense change (SIFT: "Tolerated"; PolyPhen-2: "Probably Damaging"; Align-GVGD: "Class 0"). This variant has not been reported in the literature in individuals with WRN-related disease. This variant is not present in population databases (ExAC no frequency). This sequence change replaces aspartic acid with glutamic acid at codon 468 of the WRN protein (p.Asp468Glu). The aspartic acid residue is highly conserved and there is a small physicochemical difference between aspartic acid and glutamic acid.

NM_000553.6(WRN):c.1404T>G (p.Asp468Glu)

Gene: WRN (WRN RecQ like helicase; plus strand). Cytogenetic location: 8p12.
Variant type: single nucleotide variant.
Coding change: c.1404T>G on transcript NM_000553.6 (MANE Select); coding-DNA position 1404, T replaced by G.
Protein change: p.Asp468Glu; replaces aspartic acid 468 with glutamic acid.
Molecular consequence: missense variant.
Genome position (GRCh38, 1-based): chr8:31,085,219, T>G. VCF-style: chr8-31085219-T-G. GRCh37 (hg19) VCF-style: chr8-30942735-T-G.
Other names: short protein forms D468E.
Identifiers: ClinVar variation 573601 (VCV000573601.4), dbSNP rs770053876, ClinGen allele CA174861437.